The following is an entry in ClinVar:

NM_022489.4(INF2):c.1382C>A (p.Pro461Gln)

Gene: INF2 (inverted formin 2; plus strand). Cytogenetic location: 14q32.33.
Variant type: single nucleotide variant.
Coding change: c.1382C>A on transcript NM_022489.4 (MANE Select); coding-DNA position 1382, C replaced by A.
Protein change: p.Pro461Gln; replaces proline 461 with glutamine.
Molecular consequence: missense variant.
Genome position (GRCh38, 1-based): chr14:104,707,649, C>A. VCF-style: chr14-104707649-C-A. GRCh37 (hg19) VCF-style: chr14-105173986-C-A.
Other names: c.1382C>A, p.Pro461Gln (NM_001031714.4); short protein forms P461Q.
Identifiers: ClinVar variation 1987037 (VCV001987037.4), dbSNP rs1458734397, ClinGen allele CA391216803.

ClinVar aggregate classification (germline): Uncertain significance (1 of 4 stars; one submission).

Conditions:
Focal segmental glomerulosclerosis 5 (FSGS5). Identifiers: Orphanet 656, MedGen C2750475, MONDO:0013191, OMIM 613237.
Charcot-Marie-Tooth disease dominant intermediate E. Also called: CHARCOT-MARIE-TOOTH NEUROPATHY WITH FOCAL SEGMENTAL GLOMERULONEPHRITIS. Identifiers: Orphanet 93114, MedGen C4302667, MONDO:0013758, OMIM 614455.

Submission:

Labcorp Genetics (formerly Invitae), Labcorp
Classification: Uncertain significance for Charcot-Marie-Tooth disease dominant intermediate E; Focal segmental glomerulosclerosis 5. Last evaluated: 2022-08-11. Review status: criteria provided, single submitter. Criteria: Invitae Variant Classification Sherloc (09022015). Collection method: clinical testing. Allele origin: germline.
Comment: In summary, the available evidence is currently insufficient to determine the role of this variant in disease. Therefore, it has been classified as a Variant of Uncertain Significance. Algorithms developed to predict the effect of missense changes on protein structure and function are either unavailable or do not agree on the potential impact of this missense change (SIFT: "Tolerated"; PolyPhen-2: "Not Available"; Align-GVGD: "Class C0"). This variant has not been reported in the literature in individuals affected with INF2-related conditions. This variant is not present in population databases (gnomAD no frequency). This sequence change replaces proline, which is neutral and non-polar, with glutamine, which is neutral and polar, at codon 461 of the INF2 protein (p.Pro461Gln).